The following is an entry in ClinVar:

ClinVar aggregate classification (germline): Uncertain significance (1 of 4 stars; one submission).

Conditions:
Primary ciliary dyskinesia. Also called: Ciliary dyskinesia. Identifiers: Orphanet 244, MedGen C0008780, MONDO:0016575, HP:0012265.

gnomAD v4.1: 5 of 1,614,112 alleles (0.00031%); highest among the groups gnomAD compares: Non-Finnish European, 0.00042%; no homozygotes.

Submission:

Ambry Genetics
Classification: Uncertain significance for Primary ciliary dyskinesia. Last evaluated: 2025-10-01. Review status: criteria provided, single submitter. Criteria: Ambry Variant Classification Scheme 2023. Collection method: clinical testing. Allele origin: germline.
Comment: The p.E48G variant (also known as c.143A>G), located in coding exon 2 of the DNAAF1 gene, results from an A to G substitution at nucleotide position 143. The glutamic acid at codon 48 is replaced by glycine, an amino acid with similar properties. This amino acid position is conserved. In addition, this alteration is predicted to be tolerated by in silico analysis. Since supporting evidence is limited at this time, the clinical significance of this alteration remains unclear.

NM_178452.6(DNAAF1):c.143A>G (p.Glu48Gly)

Gene: DNAAF1 (dynein axonemal assembly factor 1; plus strand). Cytogenetic location: 16q24.1.
Variant type: single nucleotide variant.
Coding change: c.143A>G on transcript NM_178452.6 (MANE Select); coding-DNA position 143, A replaced by G.
Protein change: p.Glu48Gly; replaces glutamic acid 48 with glycine.
Molecular consequence: missense variant.
Genome position (GRCh38, 1-based): chr16:84,149,025, A>G. VCF-style: chr16-84149025-A-G. GRCh37 (hg19) VCF-style: chr16-84182630-A-G.
Other names: short protein forms E48G.
Identifiers: ClinVar variation 1772673 (VCV001772673.2), dbSNP rs2507335055, ClinGen allele CA396939779.